The following is an entry in ClinVar:

NM_000363.5(TNNI3):c.230G>T (p.Ser77Ile)

Gene: TNNI3 (troponin I3, cardiac type; minus strand). Cytogenetic location: 19q13.42.
Variant type: single nucleotide variant.
Coding change: c.230G>T on transcript NM_000363.5 (MANE Select); coding-DNA position 230, G replaced by T.
Protein change: p.Ser77Ile; replaces serine 77 with isoleucine.
Molecular consequence: missense variant.
Genome position (GRCh38, 1-based): chr19:55,156,253, C>A on the plus strand (G>T on the coding strand, the complement: TNNI3 is on the minus strand). VCF-style: chr19-55156253-C-A. GRCh37 (hg19) VCF-style: chr19-55667621-C-A.
Other names: short protein forms S77I.
Identifiers: ClinVar variation 3072105 (VCV003072105.1), dbSNP rs2515501625, ClinGen allele CA407441763.

ClinVar aggregate classification (germline): Uncertain significance (1 of 4 stars; one submission).

Conditions:
Hypertrophic cardiomyopathy. Also called: HYPERTROPHIC MYOCARDIOPATHY. Identifiers: Orphanet 217569, MedGen C0007194, MeSH D002312, MONDO:0005045, HP:0001639.

Allele frequency attached by ClinVar (database versions not stated): gnomAD exomes below 0.00001.
gnomAD v4.1: 2 of 1,612,280 alleles (0.00012%); highest among the groups gnomAD compares: Non-Finnish European, 0.00017%; no homozygotes.

Submission:

All of Us Research Program, National Institutes of Health
Classification: Uncertain significance for Hypertrophic cardiomyopathy. Last evaluated: 2023-06-28. Review status: criteria provided, single submitter. Criteria: ACMG Guidelines, 2015. Collection method: clinical testing. Allele origin: germline. Inheritance: Autosomal dominant inheritance. Observed: 1 variant allele, 1 heterozygote.
Comment: This study involves interpretation of variants in research participants for the purpose of population health screening. Participant phenotype was not available at the time of variant classification. Additional details can be found in publication PMID: 35346344, PMCID: PMC8962531